The following is an entry in ClinVar:

NM_001163278.2(TENM1):c.5514G>A (p.Leu1838=)

Gene: TENM1 (teneurin transmembrane protein 1; minus strand). Cytogenetic location: Xq25.
Variant type: single nucleotide variant.
Coding change: c.5514G>A on transcript NM_001163278.2 (MANE Select); coding-DNA position 5514, G replaced by A.
Protein change: p.Leu1838=; no amino-acid change (leucine 1838 retained).
Molecular consequence: synonymous variant.
Genome position (GRCh38, 1-based): chrX:124,392,226, C>T on the plus strand (G>A on the coding strand, the complement: TENM1 is on the minus strand). VCF-style: chrX-124392226-C-T. GRCh37 (hg19) VCF-style: chrX-123526076-C-T.
Other names: c.5511G>A, p.Leu1837= (NM_001163279.1); c.5493G>A, p.Leu1831= (NM_014253.3).
Identifiers: ClinVar variation 733708 (VCV000733708.8), dbSNP rs149121714, ClinGen allele CA10509603.

ClinVar aggregate classification (germline): Benign. Review status: criteria provided, multiple submitters, no conflicts (2 of 4 stars). 3 submissions from 3 submitters: Benign (2). 1 of the submissions does not count toward it. Last evaluated 2019-12-31.

Conditions:
TENM1-related disorder. Also called: TENM1-related condition.

Allele frequency attached by ClinVar (database versions not stated): gnomAD exomes 0.00022 and 0.00056; ExAC 0.00067; 1000 Genomes Project 0.00159; 1000 Genomes Project 30x 0.00187; gnomAD 0.00221 and 0.00240; TOPMed 0.00258; ESP Exome Variant Server 0.00265.
gnomAD v4.1: 499 of 1,209,672 alleles (0.041%); highest among the groups gnomAD compares: African/African-American, 0.79%; 1 homozygote.

Submissions (3):

Labcorp Genetics (formerly Invitae), Labcorp
Classification: Benign. Last evaluated: 2019-12-31. Review status: criteria provided, single submitter. Criteria: Invitae Variant Classification Sherloc (09022015). Collection method: clinical testing. Allele origin: germline.

Breakthrough Genomics
Classification: Benign. Review status: criteria provided, single submitter. Criteria: ACMG Guidelines, 2015. Collection method: not provided. Allele origin: germline. Inheritance: Unknown mechanism. Affected: yes.

PreventionGenetics, part of Exact Sciences
Classification: Benign for TENM1-related condition. Last evaluated: 2019-10-28. Review status: no assertion criteria provided. Collection method: clinical testing. Allele origin: germline. Not counted in ClinVar's aggregate classification.
Comment: This variant is classified as benign based on ACMG/AMP sequence variant interpretation guidelines (Richards et al. 2015 PMID: 25741868, with internal and published modifications).